The following is an entry in ClinVar:

ClinVar aggregate classification (germline): Uncertain significance. Review status: criteria provided, multiple submitters, no conflicts (2 of 4 stars). 2 submissions from 2 submitters: Uncertain significance (2). Last evaluated 2022-07-16.

Conditions:
Neonatal-onset encephalopathy with rigidity and seizures. Also called: Lethal neonatal spasticity-epileptic encephalopathy syndrome. Identifiers: Orphanet 435845, MedGen C3281029, MONDO:0013784, OMIM 614498.

Allele frequency attached by ClinVar (database versions not stated): gnomAD 0.00001.

Submissions (2):

Labcorp Genetics (formerly Invitae), Labcorp
Classification: Uncertain significance for Neonatal-onset encephalopathy with rigidity and seizures. Last evaluated: 2022-07-16. Review status: criteria provided, single submitter. Criteria: Invitae Variant Classification Sherloc (09022015). Collection method: clinical testing. Allele origin: germline.
Comment: This sequence change replaces threonine, which is neutral and polar, with methionine, which is neutral and non-polar, at codon 38 of the BRAT1 protein (p.Thr38Met). This variant is not present in population databases (gnomAD no frequency). This variant has not been reported in the literature in individuals affected with BRAT1-related conditions. ClinVar contains an entry for this variant (Variation ID: 1299062). Algorithms developed to predict the effect of missense changes on protein structure and function (SIFT, PolyPhen-2, Align-GVGD) all suggest that this variant is likely to be tolerated. In summary, the available evidence is currently insufficient to determine the role of this variant in disease. Therefore, it has been classified as a Variant of Uncertain Significance.

CeGaT Center for Human Genetics Tuebingen
Classification: Uncertain significance. Last evaluated: 2021-10-01. Review status: criteria provided, single submitter. Criteria: CeGaT Center For Human Genetics Tuebingen Variant Classification Criteria Version 2. Collection method: clinical testing. Allele origin: germline. Affected: yes. Observed: 1 variant allele.

NM_152743.4(BRAT1):c.113C>T (p.Thr38Met)

Gene: BRAT1 (BRCA1 associated ATM activator 1; minus strand). Cytogenetic location: 7p22.3.
Variant type: single nucleotide variant.
Coding change: c.113C>T on transcript NM_152743.4 (MANE Select); coding-DNA position 113, C replaced by T.
Protein change: p.Thr38Met; replaces threonine 38 with methionine.
Molecular consequence: missense variant. On other transcripts: 5 prime UTR variant (1), non-coding transcript variant (1).
Genome position (GRCh38, 1-based): chr7:2,554,319, G>A on the plus strand (C>T on the coding strand, the complement: BRAT1 is on the minus strand). VCF-style: chr7-2554319-G-A. GRCh37 (hg19) VCF-style: chr7-2593953-G-A.
Other names: c.113C>T, p.Thr38Met (NM_001350626.2); c.-265C>T (NM_001350627.2); short protein forms T38M.
Identifiers: ClinVar variation 1299062 (VCV001299062.36), dbSNP rs1780250788, ClinGen allele CA366633420.